The following is an entry in ClinVar:

ClinVar aggregate classification (germline): Uncertain significance (1 of 4 stars; one submission).

Conditions:
Hereditary breast ovarian cancer syndrome. Also called: Breast and ovarian cancer; Hereditary breast and ovarian cancer syndrome; Hereditary breast and ovarian cancer syndrome (HBOC); BRCA1- and BRCA2-Associated Hereditary Breast and Ovarian Cancer; Hereditary breast and/or ovarian cancer syndrome; Hereditary breast and ovarian cancer. Identifiers: Orphanet 145, MedGen C0677776, MeSH D061325, MONDO:0003582. Disease mechanism: loss of function.

Submission:

Labcorp Genetics (formerly Invitae), Labcorp
Classification: Uncertain significance for Hereditary breast ovarian cancer syndrome. Last evaluated: 2025-12-13. Review status: criteria provided, single submitter. Criteria: Invitae Variant Classification Sherloc (09022015). Collection method: clinical testing. Allele origin: germline.
Comment: This sequence change replaces proline, which is neutral and non-polar, with arginine, which is basic and polar, at codon 3229 of the BRCA2 protein (p.Pro3229Arg). This variant is not present in population databases (gnomAD no frequency). This variant has not been reported in the literature in individuals affected with BRCA2-related conditions. Invitae Evidence Modeling of protein sequence and biophysical properties (such as structural, functional, and spatial information, amino acid conservation, physicochemical variation, residue mobility, and thermodynamic stability) indicates that this missense variant is not expected to disrupt BRCA2 protein function with a negative predictive value of 95%. In summary, the available evidence is currently insufficient to determine the role of this variant in disease. Therefore, it has been classified as a Variant of Uncertain Significance.

NM_000059.4(BRCA2):c.9686C>G (p.Pro3229Arg)

Gene: BRCA2 (BRCA2 DNA repair associated; plus strand). Cytogenetic location: 13q13.1.
Variant type: single nucleotide variant.
Coding change: c.9686C>G on transcript NM_000059.4 (MANE Select); coding-DNA position 9686, C replaced by G.
Protein change: p.Pro3229Arg; replaces proline 3229 with arginine.
Molecular consequence: missense variant. On other transcripts: non-coding transcript variant (1).
Genome position (GRCh38, 1-based): chr13:32,398,199, C>G. VCF-style: chr13-32398199-C-G. GRCh37 (hg19) VCF-style: chr13-32972336-C-G.
Other names: c.9590C>G, p.Pro3197Arg (NM_001406719.1); c.9635C>G, p.Pro3212Arg (NM_001406720.1); c.4754C>G, p.Pro1585Arg (NM_001406721.1); c.3269C>G, p.Pro1090Arg (NM_001406722.1); c.9686C>G, p.Pro3229Arg (NM_001432077.1); short protein forms P1090R, P3229R, P1585R, P3197R, P3212R.
Identifiers: ClinVar variation 4773360 (VCV004773360.1).